The following is an entry in ClinVar:

ClinVar aggregate classification (germline): Uncertain significance (1 of 4 stars; one submission).

Allele frequency attached by ClinVar (database versions not stated): ExAC 0.00001; gnomAD 0.00001; gnomAD exomes 0.00001; TOPMed 0.00001.
gnomAD v4.1: 10 of 1,611,790 alleles (0.00062%); highest among the groups gnomAD compares: Middle Eastern, 0.016%; no homozygotes.

Submission:

Labcorp Genetics (formerly Invitae), Labcorp
Classification: Uncertain significance. Last evaluated: 2025-03-31. Review status: criteria provided, single submitter. Criteria: Invitae Variant Classification Sherloc (09022015). Collection method: clinical testing. Allele origin: germline.
Comment: This sequence change replaces arginine, which is basic and polar, with cysteine, which is neutral and slightly polar, at codon 389 of the PITPNM3 protein (p.Arg389Cys). This variant is present in population databases (rs766398047, gnomAD 0.005%). This variant has not been reported in the literature in individuals affected with PITPNM3-related conditions. ClinVar contains an entry for this variant (Variation ID: 1982262). Invitae Evidence Modeling of protein sequence and biophysical properties (such as structural, functional, and spatial information, amino acid conservation, physicochemical variation, residue mobility, and thermodynamic stability) indicates that this missense variant is not expected to disrupt PITPNM3 protein function with a negative predictive value of 80%. In summary, the available evidence is currently insufficient to determine the role of this variant in disease. Therefore, it has been classified as a Variant of Uncertain Significance.

NM_031220.4(PITPNM3):c.1165C>T (p.Arg389Cys)

Gene: PITPNM3 (PITPNM family member 3; minus strand). Cytogenetic location: 17p13.2.
Variant type: single nucleotide variant.
Coding change: c.1165C>T on transcript NM_031220.4 (MANE Select); coding-DNA position 1165, C replaced by T.
Protein change: p.Arg389Cys; replaces arginine 389 with cysteine.
Molecular consequence: missense variant.
Genome position (GRCh38, 1-based): chr17:6,474,525, G>A on the plus strand (C>T on the coding strand, the complement: PITPNM3 is on the minus strand). VCF-style: chr17-6474525-G-A. GRCh37 (hg19) VCF-style: chr17-6377845-G-A.
Other names: c.1057C>T, p.Arg353Cys (NM_001165966.2); short protein forms R389C, R353C.
Identifiers: ClinVar variation 1982262 (VCV001982262.4), dbSNP rs766398047, ClinGen allele CA8329588.